The following is an entry in ClinVar:

NM_024490.4(ATP10A):c.1411G>A (p.Val471Met)

Gene: ATP10A (ATPase phospholipid transporting 10A (putative); minus strand). Cytogenetic location: 15q12.
Variant type: single nucleotide variant.
Coding change: c.1411G>A on transcript NM_024490.4 (MANE Select); coding-DNA position 1411, G replaced by A.
Protein change: p.Val471Met; replaces valine 471 with methionine.
Molecular consequence: missense variant.
Genome position (GRCh38, 1-based): chr15:25,718,352, C>T on the plus strand (G>A on the coding strand, the complement: ATP10A is on the minus strand). VCF-style: chr15-25718352-C-T. GRCh37 (hg19) VCF-style: chr15-25963499-C-T.
Other names: short protein forms V471M.
Identifiers: ClinVar variation 3131215 (VCV003131215.2), dbSNP rs573609756, ClinGen allele CA7436820.

ClinVar aggregate classification (germline): Uncertain significance. Review status: criteria provided, multiple submitters, no conflicts (2 of 4 stars). 2 submissions from 2 submitters: Uncertain significance (2). Last evaluated 2025-09-26.

Conditions:
ATP10A-related disorder. Also called: ATP10A-related condition.

Allele frequency attached by ClinVar (database versions not stated): gnomAD 0.00006; TOPMed 0.00008.
gnomAD v4.1: 87 of 1,607,790 alleles (0.0054%); highest among the groups gnomAD compares: Middle Eastern, 0.11%; no homozygotes.

Submissions (2):

PreventionGenetics, part of Exact Sciences
Classification: Uncertain significance for ATP10A-related condition. Last evaluated: 2025-09-26. Review status: criteria provided, single submitter. Criteria: ACMG Guidelines, 2015. Collection method: clinical testing. Allele origin: germline.
Comment: The ATP10A c.1411G>A variant is predicted to result in the amino acid substitution p.Val471Met. To our knowledge, this variant has not been reported in the literature. This variant is reported in 0.080% of alleles in individuals of Ashkenazi Jewish descent in gnomAD. At this time, the clinical significance of this variant is uncertain due to the absence of conclusive functional and genetic evidence.

Ambry Genetics
Classification: Uncertain significance. Last evaluated: 2021-07-09. Review status: criteria provided, single submitter. Criteria: Ambry Variant Classification Scheme 2023. Collection method: clinical testing. Allele origin: germline.